The following is an entry in ClinVar:

NM_145290.4(ADGRA3):c.3233A>T (p.Asn1078Ile)

Gene: ADGRA3 (adhesion G protein-coupled receptor A3; minus strand). Cytogenetic location: 4p15.2.
Variant type: single nucleotide variant.
Coding change: c.3233A>T on transcript NM_145290.4 (MANE Select); coding-DNA position 3233, A replaced by T.
Protein change: p.Asn1078Ile; replaces asparagine 1078 with isoleucine.
Molecular consequence: missense variant.
Genome position (GRCh38, 1-based): chr4:22,388,438, T>A on the plus strand (A>T on the coding strand, the complement: ADGRA3 is on the minus strand). VCF-style: chr4-22388438-T-A. GRCh37 (hg19) VCF-style: chr4-22390061-T-A.
Other names: short protein forms N1078I.
Identifiers: ClinVar variation 1519605 (VCV001519605.8), dbSNP rs370347164, ClinGen allele CA356473378.

ClinVar aggregate classification (germline): Uncertain significance (1 of 4 stars; one submission).

Submission:

Labcorp Genetics (formerly Invitae), Labcorp
Classification: Uncertain significance. Last evaluated: 2023-10-03. Review status: criteria provided, single submitter. Criteria: Invitae Variant Classification Sherloc (09022015). Collection method: clinical testing. Allele origin: germline.
Comment: This sequence change replaces asparagine, which is neutral and polar, with isoleucine, which is neutral and non-polar, at codon 1078 of the ADGRA3 protein (p.Asn1078Ile). This variant is not present in population databases (gnomAD no frequency). This variant has not been reported in the literature in individuals affected with ADGRA3-related conditions. ClinVar contains an entry for this variant (Variation ID: 1519605). An algorithm developed to predict the effect of missense changes on protein structure and function (PolyPhen-2) suggests that this variant is likely to be tolerated. In summary, the available evidence is currently insufficient to determine the role of this variant in disease. Therefore, it has been classified as a Variant of Uncertain Significance.